The following is an entry in ClinVar:

ClinVar aggregate classification (germline): Pathogenic (1 of 4 stars; one submission).

Conditions:
Neurodevelopmental disorder with characteristic facial and ectodermal features and tetraparesis 1. Identifiers: MedGen C5975340, MONDO:0975745, OMIM 620888.

Submission:

3billion
Classification: Pathogenic for Neurodevelopmental disorder with characteristic facial and ectodermal features and tetraparesis 1. Last evaluated: 2025-11-26. Review status: criteria provided, single submitter. Criteria: ACMG Guidelines, 2015. Collection method: clinical testing. Allele origin: germline. Affected: yes.
Comment: The variant is observed at an extremely low frequency in the gnomAD v4.1.0 dataset (total allele frequency: <0.001%). Predicted Consequence/Location: Frameshift: predicted to result in a loss or disruption of normal protein function through nonsense-mediated decay (NMD) or protein truncation. Multiple pathogenic variants are reported downstream of the variant. Therefore, this variant is classified as Pathogenic according to the recommendation of ACMG/AMP guideline.

NM_004286.5(GTPBP1):c.1811del (p.Glu604fs)

Gene: GTPBP1 (GTP binding protein 1; plus strand). Cytogenetic location: 22q13.1.
Variant type: Deletion.
Coding change: c.1811del on transcript NM_004286.5 (MANE Select); coding-DNA position 1811, one base deleted (A; older notation c.1811delA).
Protein change: p.Glu604fs; shifts the reading frame from glutamic acid 604.
Molecular consequence: frameshift variant.
Genome position (GRCh38, 1-based): chr22:38,729,556, A deleted. VCF-style (leftmost placement, unchanged base first): chr22-38729555-GA-G. GRCh37 (hg19) VCF-style: chr22-39125560-GA-G.
Other names: short protein forms E604fs.
Identifiers: ClinVar variation 4855180 (VCV004855180.1).